The following is an entry in ClinVar:

ClinVar aggregate classification (germline): Uncertain significance (1 of 4 stars; one submission).

Conditions:
Hereditary sensory and autonomic neuropathy type 6. Also called: HSAN VI; Neuropathy, hereditary sensory and autonomic, type VI. Identifiers: Orphanet 314381, MedGen C3539003, MONDO:0013839, OMIM 614653.
Epidermolysis bullosa simplex 3, localized or generalized intermediate, with BP230 deficiency (EBS3). Also called: Epidermolysis bullosa simplex, autosomal recessive 2; Epidermolysis bullosa simplex due to BP230 deficiency. Identifiers: Orphanet 412181, MedGen C3809470, MONDO:0014180, OMIM 615425.

Submission:

Labcorp Genetics (formerly Invitae), Labcorp
Classification: Uncertain significance for Epidermolysis bullosa simplex 3, localized or generalized intermediate, with BP230 deficiency; Hereditary sensory and autonomic neuropathy type 6. Last evaluated: 2023-09-29. Review status: criteria provided, single submitter. Criteria: Invitae Variant Classification Sherloc (09022015). Collection method: clinical testing. Allele origin: germline.
Comment: In summary, the available evidence is currently insufficient to determine the role of this variant in disease. Therefore, it has been classified as a Variant of Uncertain Significance. This variant disrupts the C-terminus of the DST protein. Other variant(s) that disrupt this region (p.Leu2477Serfs*13, p.Tyr2366X) have been observed in individuals with DST-related conditions (PMID: 33471381). This suggests that this may be a clinically significant region of the protein. This variant has not been reported in the literature in individuals affected with DST-related conditions. This variant is not present in population databases (gnomAD no frequency). This sequence change creates a premature translational stop signal (p.Arg2259*) in the DST gene. While this is not anticipated to result in nonsense mediated decay, it is expected to disrupt the last 391 amino acid(s) of the DST protein.

Literature cited by the submitters: PubMed 33471381.

NM_001723.7(DST):c.6775A>T (p.Arg2259Ter)

Gene: DST (dystonin; minus strand). Cytogenetic location: 6p12.1.
Variant type: single nucleotide variant.
Coding change: c.6775A>T on transcript NM_001723.7 (MANE Plus Clinical); coding-DNA position 6775, A replaced by T.
Protein change: p.Arg2259Ter; replaces arginine 2259 with a stop codon.
Molecular consequence: nonsense. On other transcripts: intron variant (10).
Genome position (GRCh38, 1-based): chr6:56,616,692, T>A on the plus strand (A>T on the coding strand, the complement: DST is on the minus strand). VCF-style: chr6-56616692-T-A. GRCh37 (hg19) VCF-style: chr6-56481490-T-A.
Other names: c.4831-2208A>T (NM_001144769.5); c.4930-2208A>T (NM_001374722.1, NM_001374736.1); c.4957-2208A>T (NM_001374734.1); c.4417-2208A>T (NM_001144770.2); c.4297-2208A>T (NM_001374730.1, NM_001386100.1, NM_183380.4 and 1 more transcripts); c.3319-2208A>T (NM_015548.5); short protein forms R2259*.
Identifiers: ClinVar variation 2952372 (VCV002952372.3), dbSNP rs2536624751, ClinGen allele CA364564420.
Genomic context (GRCh38, chr6:56,616,692, plus strand): 5'-AGATGGCATTATTCAACAACCCCTGCTGCAGAGCAATTTCTGGAGGAACACGAATGCCTC[T>A]CACAGGGTCAATGACACCCCCACTGGCAATCTGGGCTTCCAAGATATGTTTACCTTTTTG-3'